The following is an entry in ClinVar:

ClinVar aggregate classification (germline): Benign/Likely benign. Review status: criteria provided, multiple submitters, no conflicts (2 of 4 stars). 5 submissions from 5 submitters: Benign (1); Likely benign (4). Last evaluated 2024-06-30.

Conditions:
Hereditary cancer-predisposing syndrome. Also called: Tumor predisposition; Hereditary neoplastic syndrome; Neoplastic Syndromes, Hereditary; Hereditary Cancer Syndrome. Identifiers: Orphanet 140162, MedGen C0027672, MeSH D009386, MONDO:0015356.
Familial adenomatous polyposis 1 (FAP1). Also called: FAMILIAL ADENOMATOUS POLYPOSIS 1, ATTENUATED; POLYPOSIS, ADENOMATOUS INTESTINAL. Identifiers: MedGen C2713442, MONDO:0021056, OMIM 175100. Disease mechanism: loss of function.

gnomAD v4.1: 1 of 1,612,160 alleles (0.000062%); highest among the groups gnomAD compares: Non-Finnish European, 0.000085%; no homozygotes.

Submissions (5):

Labcorp Genetics (formerly Invitae), Labcorp
Classification: Likely benign for Familial adenomatous polyposis 1. Last evaluated: 2024-06-30. Review status: criteria provided, single submitter. Criteria: Invitae Variant Classification Sherloc (09022015). Collection method: clinical testing. Allele origin: germline.

Myriad Genetics, Inc.
Classification: Benign for Familial adenomatous polyposis 1. Last evaluated: 2024-04-04. Review status: criteria provided, single submitter. Criteria: Myriad Autosomal Dominant, Autosomal Recessive and X-Linked Classification Criteria (2023). Collection method: clinical testing. Allele origin: unknown.
Comment: This variant is considered benign. This variant is a silent/synonymous amino acid change and it is not expected to impact splicing.

Ambry Genetics
Classification: Likely benign for Hereditary cancer-predisposing syndrome. Last evaluated: 2022-10-27. Review status: criteria provided, single submitter. Criteria: Ambry Variant Classification Scheme 2023. Collection method: clinical testing. Allele origin: germline.

Color Diagnostics, LLC DBA Color Health
Classification: Likely benign for Hereditary cancer-predisposing syndrome. Last evaluated: 2019-06-25. Review status: criteria provided, single submitter. Criteria: ACMG Guidelines, 2015. Collection method: clinical testing. Allele origin: germline.

GeneDx
Classification: Likely benign. Last evaluated: 2015-12-01. Review status: criteria provided, single submitter. Criteria: GeneDx Variant Classification (06012015). Collection method: clinical testing. Allele origin: germline. Affected: yes.
Comment: This variant is considered likely benign or benign based on one or more of the following criteria: it is a conservative change, it occurs at a poorly conserved position in the protein, it is predicted to be benign by multiple in silico algorithms, and/or has population frequency not consistent with disease.

NM_000038.6(APC):c.6477T>C (p.Phe2159=)

Gene: APC (APC regulator of Wnt signaling pathway; plus strand). Cytogenetic location: 5q22.2.
Variant type: single nucleotide variant.
Coding change: c.6477T>C on transcript NM_000038.6 (MANE Select); coding-DNA position 6477, T replaced by C.
Protein change: p.Phe2159=; no amino-acid change (phenylalanine 2159 retained).
Molecular consequence: synonymous variant.
Genome position (GRCh38, 1-based): chr5:112,842,071, T>C. VCF-style: chr5-112842071-T-C. GRCh37 (hg19) VCF-style: chr5-112177768-T-C.
Other names: c.6477T>C, p.Phe2159= (NM_001127510.3, NM_001354895.2); c.6423T>C, p.Phe2141= (NM_001127511.3); c.6531T>C, p.Phe2177= (NM_001354896.2); c.6507T>C, p.Phe2169= (NM_001354897.2); c.6402T>C, p.Phe2134= (NM_001354898.2); c.6393T>C, p.Phe2131= (NM_001354899.2); c.6354T>C, p.Phe2118= (NM_001354900.2); c.6300T>C, p.Phe2100= (NM_001354901.2); and 5 more.
Identifiers: ClinVar variation 381970 (VCV000381970.16), dbSNP rs1057521225, ClinGen allele CA16604800.